The following is an entry in ClinVar:

NM_001009999.3(KDM1A):c.2298+7A>G

Gene: KDM1A (lysine demethylase 1A; plus strand). Cytogenetic location: 1p36.12.
Variant type: single nucleotide variant.
Coding change: c.2298+7A>G on transcript NM_001009999.3 (MANE Select); 7 bases into the intron after coding-DNA position 2298, A replaced by G.
Molecular consequence: intron variant.
Genome position (GRCh38, 1-based): chr1:23,081,580, A>G. VCF-style: chr1-23081580-A-G. GRCh37 (hg19) VCF-style: chr1-23408073-A-G.
Other names: c.2244+7A>G (NM_001363654.2); c.2226+7A>G (NM_015013.4).
Identifiers: ClinVar variation 736950 (VCV000736950.7), dbSNP rs369047787, ClinGen allele CA679931.

ClinVar aggregate classification (germline): Likely benign. Review status: criteria provided, multiple submitters, no conflicts (2 of 4 stars). 2 submissions from 2 submitters: Likely benign (2). Last evaluated 2026-08-01.

Allele frequency attached by ClinVar (database versions not stated): ESP Exome Variant Server 0.00008; gnomAD exomes 0.00008 and 0.00016; gnomAD 0.00009; TOPMed 0.00009; ExAC 0.00013.
gnomAD v4.1: 139 of 1,613,938 alleles (0.0086%); highest among the groups gnomAD compares: Middle Eastern, 0.016%; no homozygotes.

Submissions (2):

CeGaT Center for Human Genetics Tuebingen
Classification: Likely benign. Last evaluated: 2026-08-01. Review status: criteria provided, single submitter. Criteria: CeGaT Center For Human Genetics Tuebingen Variant Classification Criteria Version 2. Collection method: clinical testing. Allele origin: germline. Affected: yes. Observed: 1 variant allele.
Comment: KDM1A: BP4

Labcorp Genetics (formerly Invitae), Labcorp
Classification: Likely benign. Last evaluated: 2026-01-13. Review status: criteria provided, single submitter. Criteria: Invitae Variant Classification Sherloc (09022015). Collection method: clinical testing. Allele origin: germline.